The following is an entry in ClinVar:

ClinVar aggregate classification (germline): Uncertain significance (1 of 4 stars; one submission).

Allele frequency attached by ClinVar (database versions not stated): TOPMed below 0.00001; gnomAD 0.00001; gnomAD exomes 0.00001; ExAC 0.00002; ESP Exome Variant Server 0.00008.
gnomAD v4.1: 22 of 1,613,774 alleles (0.0014%); highest among the groups gnomAD compares: East Asian, 0.0045%; no homozygotes.

Submission:

Labcorp Genetics (formerly Invitae), Labcorp
Classification: Uncertain significance. Last evaluated: 2022-12-30. Review status: criteria provided, single submitter. Criteria: Invitae Variant Classification Sherloc (09022015). Collection method: clinical testing. Allele origin: germline.
Comment: This variant is present in population databases (rs377349853, gnomAD 0.01%). This sequence change replaces lysine, which is basic and polar, with arginine, which is basic and polar, at codon 1183 of the SETD5 protein (p.Lys1183Arg). This variant has not been reported in the literature in individuals affected with SETD5-related conditions. Advanced modeling of protein sequence and biophysical properties (such as structural, functional, and spatial information, amino acid conservation, physicochemical variation, residue mobility, and thermodynamic stability) performed at Invitae indicates that this missense variant is not expected to disrupt SETD5 protein function. In summary, the available evidence is currently insufficient to determine the role of this variant in disease. Therefore, it has been classified as a Variant of Uncertain Significance.

NM_001080517.3(SETD5):c.3548A>G (p.Lys1183Arg)

Gene: SETD5 (SET domain containing 5; plus strand). Cytogenetic location: 3p25.3.
Variant type: single nucleotide variant.
Coding change: c.3548A>G on transcript NM_001080517.3 (MANE Select); coding-DNA position 3548, A replaced by G.
Protein change: p.Lys1183Arg; replaces lysine 1183 with arginine.
Molecular consequence: missense variant.
Genome position (GRCh38, 1-based): chr3:9,474,499, A>G. VCF-style: chr3-9474499-A-G. GRCh37 (hg19) VCF-style: chr3-9516183-A-G.
Other names: c.3254A>G, p.Lys1085Arg (NM_001292043.2, NM_001349451.2); short protein forms K1085R, K1183R.
Identifiers: ClinVar variation 2956489 (VCV002956489.3), dbSNP rs377349853, ClinGen allele CA2239723.